The following is an entry in ClinVar:

NM_032043.3(BRIP1):c.628-10T>A

Gene: BRIP1 (BRCA1 interacting DNA helicase 1; minus strand). Cytogenetic location: 17q23.2.
Variant type: single nucleotide variant.
Coding change: c.628-10T>A on transcript NM_032043.3 (MANE Select); 10 bases into the intron before coding-DNA position 628, T replaced by A.
Molecular consequence: intron variant.
Genome position (GRCh38, 1-based): chr17:61,808,767, A>T on the plus strand (T>A on the coding strand, the complement: BRIP1 is on the minus strand). VCF-style: chr17-61808767-A-T. GRCh37 (hg19) VCF-style: chr17-59886128-A-T.
Identifiers: ClinVar variation 530374 (VCV000530374.15), dbSNP rs375646029, ClinGen allele CA8690874.

ClinVar aggregate classification (germline): Conflicting classifications of pathogenicity. Review status: criteria provided, conflicting classifications (1 of 4 stars). 3 submissions from 3 submitters: Uncertain significance (2); Likely benign (1). Last evaluated 2026-01-12.

Conditions:
Fanconi anemia complementation group J. Also called: BRIP1-Related Fanconi Anemia. Identifiers: Orphanet 84, MedGen C1836860, MONDO:0012187, OMIM 609054.
Familial cancer of breast. Also called: BREAST CANCER, FAMILIAL; hereditary breast carcinoma; Hereditary breast cancer. Identifiers: Orphanet 227535, MedGen C0346153, MONDO:0016419, OMIM 114480. Disease mechanism: loss of function.
Hereditary cancer-predisposing syndrome. Also called: Neoplastic Syndromes, Hereditary; Hereditary neoplastic syndrome; Tumor predisposition; Hereditary Cancer Syndrome. Identifiers: Orphanet 140162, MedGen C0027672, MeSH D009386, MONDO:0015356.

Allele frequency attached by ClinVar (database versions not stated): gnomAD exomes below 0.00001; ExAC 0.00001; gnomAD 0.00001; ESP Exome Variant Server 0.00008.
gnomAD v4.1: 4 of 1,610,498 alleles (0.00025%); highest among the groups gnomAD compares: Non-Finnish European, 0.00025%; no homozygotes.

Submissions (4):

Labcorp Genetics (formerly Invitae), Labcorp
Classification: Likely benign for Familial cancer of breast; Fanconi anemia complementation group J. Last evaluated: 2026-01-12. Review status: criteria provided, single submitter. Criteria: Invitae Variant Classification Sherloc (09022015). Collection method: clinical testing. Allele origin: germline.

Color Diagnostics, LLC DBA Color Health
Classification: Uncertain significance for Hereditary cancer-predisposing syndrome. Last evaluated: 2024-04-09. Review status: criteria provided, single submitter. Criteria: ACMG Guidelines, 2015. Collection method: clinical testing. Allele origin: germline.
Comment: This variant causes a T>A nucleotide substitution at the -10 position of intron 6 of the BRIP1 gene. To our knowledge, RNA studies have not been performed for this variant. This variant has not been reported in individuals affected with hereditary cancer in the literature. This variant has been identified in 1/247346 chromosomes in the general population by the Genome Aggregation Database (gnomAD). The available evidence is insufficient to determine the role of this variant in disease conclusively. Therefore, this variant is classified as a Variant of Uncertain Significance.

GeneDx
Classification: Uncertain significance. Last evaluated: 2022-05-14. Review status: criteria provided, single submitter. Criteria: GeneDx Variant Classification Process June 2021. Collection method: clinical testing. Allele origin: germline. Affected: yes.
Comment: Not observed at significant frequency in large population cohorts (gnomAD); Has not been previously published as pathogenic or benign to our knowledge; In silico analysis, which includes splice predictors and evolutionary conservation, suggests this variant may impact gene splicing. In the absence of RNA/functional studies, the actual effect of this sequence change is unknown.

Dr. Peter K. Rogan Lab, Western University
No classification provided (evidence only). Condition: Malignant tumor of esophagus. Review status: no classification provided. Collection method: in vitro. Allele origin: not applicable. Functional consequence: retained intron. Not counted in ClinVar's aggregate classification.